The following is an entry in ClinVar:

NM_018076.5(ODAD2):c.2780T>G (p.Leu927Trp)

Gene: ODAD2 (outer dynein arm docking complex subunit 2; minus strand). Cytogenetic location: 10p12.1.
Variant type: single nucleotide variant.
Coding change: c.2780T>G on transcript NM_018076.5 (MANE Select); coding-DNA position 2780, T replaced by G.
Protein change: p.Leu927Trp; replaces leucine 927 with tryptophan.
Molecular consequence: missense variant.
Genome position (GRCh38, 1-based): chr10:27,862,453, A>C on the plus strand (T>G on the coding strand, the complement: ODAD2 is on the minus strand). VCF-style: chr10-27862453-A-C. GRCh37 (hg19) VCF-style: chr10-28151382-A-C.
Other names: c.2780T>G, p.Leu927Trp (NM_001290020.2); c.1355T>G, p.Leu452Trp (NM_001290021.2); c.1856T>G, p.Leu619Trp (NM_001312689.2); short protein forms L927W, L452W, L619W.
Identifiers: ClinVar variation 66045 (VCV000066045.8), dbSNP rs587777047, ClinGen allele CA214765.

ClinVar aggregate classification (germline): Pathogenic/Likely pathogenic. Review status: criteria provided, multiple submitters, no conflicts (2 of 4 stars). 4 submissions from 4 submitters: Pathogenic (1); Likely pathogenic (1). 2 of the submissions do not count toward it. Last evaluated 2021-09-01.

Conditions:
Primary ciliary dyskinesia 23 (CILD23). Also called: CILIARY DYSKINESIA, PRIMARY, 23, WITH OR WITHOUT SITUS INVERSUS. Identifiers: Orphanet 244, MedGen C3809548, MONDO:0014193, OMIM 615451.
Kartagener syndrome (CILD1). Also called: SIEWERT SYNDROME; POLYNESIAN BRONCHIECTASIS; IMMOTILE CILIA SYNDROME; Dextrocardia bronchiectasis and sinusitis; CILIARY DYSKINESIA, PRIMARY, 1; CILIARY DYSKINESIA, PRIMARY, 1, WITH OR WITHOUT SITUS INVERSUS. Identifiers: Orphanet 244, MedGen C4551906, MONDO:0009484, OMIM 244400.

gnomAD v4.1: 1 of 1,609,270 alleles (0.000062%); no homozygotes.

Submissions (4):

Labcorp Genetics (formerly Invitae), Labcorp
Classification: Likely pathogenic for Primary ciliary dyskinesia 23. Last evaluated: 2021-09-01. Review status: criteria provided, single submitter. Criteria: Invitae Variant Classification Sherloc (09022015). Collection method: clinical testing. Allele origin: germline.
Comment: This sequence change replaces leucine with tryptophan at codon 927 of the ARMC4 protein (p.Leu927Trp). The leucine residue is highly conserved and there is a small physicochemical difference between leucine and tryptophan. This variant is not present in population databases (ExAC no frequency). This missense change has been observed in individual(s) with primary ciliary dyskinesia (PMID: 23849778). ClinVar contains an entry for this variant (Variation ID: 66045). Algorithms developed to predict the effect of missense changes on protein structure and function are either unavailable or do not agree on the potential impact of this missense change (SIFT: "Deleterious"; PolyPhen-2: "Probably Damaging"; Align-GVGD: "Class C0"). Experimental studies have shown that this missense change affects ARMC4 function (PMID: 23849778). In summary, the currently available evidence indicates that the variant is pathogenic, but additional data are needed to prove that conclusively. Therefore, this variant has been classified as Likely Pathogenic.

Lupski Lab, Baylor-Hopkins CMG, Baylor College of Medicine
Classification: Pathogenic for Primary ciliary dyskinesia 23. Last evaluated: 2013-04-03. Review status: criteria provided, single submitter. Criteria: Hjeij et al. (Am J Hum Genet. 2013). Collection method: research. Allele origin: germline. Inheritance: Autosomal recessive inheritance. Affected: yes. Observed: 1 variant allele, 1 homozygote.
Comment: This homozygous mutation was predicted to be loss-of-function.

OMIM
Classification: Pathogenic for CILIARY DYSKINESIA, PRIMARY, 23. Last evaluated: 2013-08-08. Review status: no assertion criteria provided. Collection method: literature only. Allele origin: germline. Not counted in ClinVar's aggregate classification.

GeneReviews
No classification provided. Condition: Kartagener syndrome. Review status: no classification provided. Collection method: literature only. Allele origin: germline. Affected: yes. Not counted in ClinVar's aggregate classification.

Literature cited by the submitters: PubMed 23849778 (cited by 3 submitters); NCBI Bookshelf NBK1122 (cited by GeneReviews).